The following is an entry in ClinVar:

NM_144596.4(TTC8):c.430A>C (p.Thr144Pro)

Gene: TTC8 (tetratricopeptide repeat domain 8; plus strand). Cytogenetic location: 14q31.3.
Variant type: single nucleotide variant.
Coding change: c.430A>C on transcript NM_144596.4 (MANE Select); coding-DNA position 430, A replaced by C.
Protein change: p.Thr144Pro; replaces threonine 144 with proline.
Molecular consequence: missense variant. On other transcripts: 5 prime UTR variant (2), non-coding transcript variant (1).
Genome position (GRCh38, 1-based): chr14:88,841,137, A>C. VCF-style: chr14-88841137-A-C. GRCh37 (hg19) VCF-style: chr14-89307481-A-C.
Other names: c.400A>C, p.Thr134Pro (NM_001288781.1, NM_001366535.2, NM_001366536.2 and 2 more transcripts); c.-163A>C (NM_001288782.1); c.-258A>C (NM_001288783.1); short protein forms T144P, T134P.
Identifiers: ClinVar variation 2100195 (VCV002100195.4), dbSNP rs77957636, ClinGen allele CA264583624.

ClinVar aggregate classification (germline): Uncertain significance (1 of 4 stars; one submission).

Conditions:
Bardet-Biedl syndrome (BBS). Identifiers: Orphanet 110, MedGen C0752166, MONDO:0015229.

Submission:

Labcorp Genetics (formerly Invitae), Labcorp
Classification: Uncertain significance for Bardet-Biedl syndrome. Last evaluated: 2024-11-18. Review status: criteria provided, single submitter. Criteria: Invitae Variant Classification Sherloc (09022015). Collection method: clinical testing. Allele origin: germline.
Comment: This sequence change replaces threonine, which is neutral and polar, with proline, which is neutral and non-polar, at codon 134 of the TTC8 protein (p.Thr134Pro). This variant is not present in population databases (gnomAD no frequency). This variant has not been reported in the literature in individuals affected with TTC8-related conditions. ClinVar contains an entry for this variant (Variation ID: 2100195). Invitae Evidence Modeling of protein sequence and biophysical properties (such as structural, functional, and spatial information, amino acid conservation, physicochemical variation, residue mobility, and thermodynamic stability) indicates that this missense variant is not expected to disrupt TTC8 protein function with a negative predictive value of 80%. In summary, the available evidence is currently insufficient to determine the role of this variant in disease. Therefore, it has been classified as a Variant of Uncertain Significance.